The following is an entry in ClinVar:

ClinVar aggregate classification (germline): Uncertain significance. Review status: criteria provided, multiple submitters, no conflicts (2 of 4 stars). 3 submissions from 3 submitters: Uncertain significance (3). Last evaluated 2025-02-16.

Conditions:
Basal cell carcinoma, susceptibility to, 1. Also called: BCC1. Identifiers: MedGen C2751544, MONDO:0011556, OMIM 605462.
Medulloblastoma (MDB). Also called: Medulloblastoma, somatic; MEDULLOBLASTOMA PREDISPOSITION SYNDROME. Identifiers: Orphanet 616, MedGen C0025149, MeSH D008527, MONDO:0007959, OMIM 155255, HP:0002885.
Gorlin syndrome. Also called: Nevoid Basal Cell Carcinoma Syndrome; Basal cell nevus syndrome. Identifiers: Orphanet 377, MedGen C0004779, MONDO:0007187.

Submissions (3):

Labcorp Genetics (formerly Invitae), Labcorp
Classification: Uncertain significance for Gorlin syndrome. Last evaluated: 2025-02-16. Review status: criteria provided, single submitter. Criteria: Invitae Variant Classification Sherloc (09022015). Collection method: clinical testing. Allele origin: germline.
Comment: This sequence change creates a premature translational stop signal (p.Leu443Serfs*91) in the PTCH2 gene. It is expected to result in an absent or disrupted protein product. However, the current clinical and genetic evidence is not sufficient to establish whether loss-of-function variants in PTCH2 cause disease. This variant is present in population databases (rs755069524, gnomAD 0.03%), and has an allele count higher than expected for a pathogenic variant. This variant has not been reported in the literature in individuals affected with PTCH2-related conditions. ClinVar contains an entry for this variant (Variation ID: 641865). In summary, the available evidence is currently insufficient to determine the role of this variant in disease. Therefore, it has been classified as a Variant of Uncertain Significance.

Fulgent Genetics
Classification: Uncertain significance for Medulloblastoma; Basal cell carcinoma, susceptibility to, 1. Last evaluated: 2024-02-20. Review status: criteria provided, single submitter. Criteria: ACMG Guidelines, 2015. Collection method: clinical testing. Allele origin: germline.

CeGaT Center for Human Genetics Tuebingen
Classification: Uncertain significance. Last evaluated: 2020-07-01. Review status: criteria provided, single submitter. Criteria: CeGaT Center For Human Genetics Tuebingen Variant Classification Criteria Version 2. Collection method: clinical testing. Allele origin: germline. Affected: yes. Observed: 3 variant alleles.

NM_003738.5(PTCH2):c.1326del (p.Leu443fs)

Gene: PTCH2 (patched 2; minus strand). Cytogenetic location: 1p34.1.
Variant type: Deletion.
Coding change: c.1326del on transcript NM_003738.5 (MANE Select); coding-DNA position 1326, one base deleted (G; older notation c.1326delG).
Protein change: p.Leu443fs; shifts the reading frame from leucine 443.
Molecular consequence: frameshift variant.
Genome position (GRCh38, 1-based): chr1:44,829,202, C deleted on the plus strand (G on the coding strand, the reverse complement: PTCH2 is on the minus strand); the first of 3 consecutive C bases (chr1:44,829,202-44,829,204); deleting any one gives the same sequence. VCF-style (leftmost placement, unchanged base first): chr1-44829201-GC-G. GRCh37 (hg19) VCF-style: chr1-45294873-GC-G.
Other names: c.1326del (NM_003738.4); c.1326del, p.Leu443fs (NM_001166292.2); short protein forms L443fs.
Identifiers: ClinVar variation 641865 (VCV000641865.48), dbSNP rs755069524, ClinGen allele CA823346.